The following is an entry in ClinVar:

ClinVar aggregate classification (germline): Benign. Review status: criteria provided, multiple submitters, no conflicts (2 of 4 stars). 14 submissions from 14 submitters: Benign (11). 3 of the submissions do not count toward it. Last evaluated 2026-02-04.

Conditions:
Spastic paraplegia. Identifiers: MedGen C0037772, HP:0001258.
Hereditary spastic paraplegia. Also called: Familial spastic paraparesis. Identifiers: Orphanet 685, MedGen C0037773, MONDO:0019064. Disease mechanism: loss of function.
Hereditary spastic paraplegia 15 (SPG15). Also called: SPASTIC PARAPLEGIA AND RETINAL DEGENERATION; KJELLIN SYNDROME; SPASTIC PARAPLEGIA 15, AUTOSOMAL RECESSIVE. Identifiers: Orphanet 100996, MedGen C1849128, MONDO:0010044, OMIM 270700.

Allele frequency attached by ClinVar (database versions not stated): 1000 Genomes Project 30x 0.15881; 1000 Genomes Project 0.16014; TOPMed 0.23095; ESP Exome Variant Server 0.26349.
gnomAD v4.1: 505,216 of 1,613,970 alleles (31%); highest among the groups gnomAD compares: Non-Finnish European, 35%; 85,746 homozygotes.

Submissions (14):

Labcorp Genetics (formerly Invitae), Labcorp
Classification: Benign for Spastic paraplegia. Last evaluated: 2026-02-04. Review status: criteria provided, single submitter. Criteria: Invitae Variant Classification Sherloc (09022015). Collection method: clinical testing. Allele origin: germline.

Blueprint Genetics
Classification: Benign. Last evaluated: 2024-11-27. Review status: criteria provided, single submitter. Criteria: ACMG Guidelines, 2015. Collection method: clinical testing. Allele origin: germline.

Genome-Nilou Lab
Classification: Benign for Hereditary spastic paraplegia 15. Last evaluated: 2021-12-05. Review status: criteria provided, single submitter. Criteria: ACMG Guidelines, 2015. Collection method: clinical testing. Allele origin: germline. Affected: no.

Mendelics
Classification: Benign for Hereditary spastic paraplegia 15. Last evaluated: 2019-05-28. Review status: criteria provided, single submitter. Criteria: Mendelics Assertion Criteria 2017. Collection method: clinical testing. Allele origin: unknown.

Illumina Laboratory Services, Illumina
Classification: Benign for Hereditary spastic paraplegia 15. Last evaluated: 2018-01-12. Review status: criteria provided, single submitter. Criteria: ICSL Variant Classification Criteria 13 December 2019. Collection method: clinical testing. Allele origin: germline.
Comment: This variant was observed in the ICSL laboratory as part of a predisposition screen in an ostensibly healthy population. It had not been previously curated by ICSL or reported in the Human Gene Mutation Database (HGMD: prior to June 1st, 2018), and was therefore a candidate for classification through an automated scoring system. Utilizing variant allele frequency, disease prevalence and penetrance estimates, and inheritance mode, an automated score was calculated to assess if this variant is too frequent to cause the disease. Based on the score and internal cut-off values, a variant classified as benign is not then subjected to further curation. The score for this variant resulted in a classification of benign for this disease.

Athena Diagnostics
Classification: Benign. Last evaluated: 2017-07-19. Review status: criteria provided, single submitter. Criteria: Athena Diagnostics Criteria. Collection method: clinical testing. Allele origin: germline.

Genome Diagnostics Laboratory, The Hospital for Sick Children
Classification: Benign for Hereditary spastic paraplegia. Last evaluated: 2016-12-12. Review status: criteria provided, single submitter. Criteria: ACMG Guidelines, 2015. Collection method: clinical testing. Allele origin: germline. Affected: yes.

Eurofins Ntd Llc (ga)
Classification: Benign. Last evaluated: 2016-08-26. Review status: criteria provided, single submitter. Criteria: EGL Classification Definitions 2015. Collection method: clinical testing. Allele origin: germline. Observed: 1 variant allele, 1 heterozygote.

GeneDx
Classification: Benign. Last evaluated: 2016-02-01. Review status: criteria provided, single submitter. Criteria: GeneDx Variant Classification (06012015). Collection method: clinical testing. Allele origin: germline. Affected: yes.
Comment: This variant is considered likely benign or benign based on one or more of the following criteria: it is a conservative change, it occurs at a poorly conserved position in the protein, it is predicted to be benign by multiple in silico algorithms, and/or has population frequency not consistent with disease.

Mayo Clinic Laboratories, Mayo Clinic
Classification: Benign. Last evaluated: 2015-08-27. Review status: criteria provided, single submitter. Criteria: ACMG Guidelines, 2015. Collection method: clinical testing. Allele origin: germline. Observed: 962 variant alleles.

Breakthrough Genomics
Classification: Benign. Review status: criteria provided, single submitter. Criteria: ACMG Guidelines, 2015. Collection method: not provided. Allele origin: germline. Inheritance: Autosomal recessive inheritance. Affected: yes.

Diagnostic Laboratory, Department of Genetics, University Medical Center Groningen
Classification: Benign. Review status: no assertion criteria provided. Collection method: clinical testing. Allele origin: germline. Affected: yes. Study: VKGL Data-share Consensus. Not counted in ClinVar's aggregate classification.

Genetic Services Laboratory, University of Chicago
Classification: Likely benign for AllHighlyPenetrant. Review status: no assertion criteria provided. Collection method: clinical testing. Allele origin: germline. Inheritance: Autosomal recessive inheritance. Not counted in ClinVar's aggregate classification.
Comment: Likely benign based on allele frequency in 1000 Genomes Project or ESP global frequency and its presence in a patient with a rare or unrelated disease phenotype. NOT Sanger confirmed.

Joint Genome Diagnostic Labs from Nijmegen and Maastricht, Radboudumc and MUMC+
Classification: Benign. Review status: no assertion criteria provided. Collection method: clinical testing. Allele origin: germline. Affected: yes. Study: VKGL Data-share Consensus. Not counted in ClinVar's aggregate classification.

NM_015346.4(ZFYVE26):c.4370G>A (p.Cys1457Tyr)

Gene: ZFYVE26 (zinc finger FYVE-type containing 26; minus strand). Cytogenetic location: 14q24.1.
Variant type: single nucleotide variant.
Coding change: c.4370G>A on transcript NM_015346.4 (MANE Select); coding-DNA position 4370, G replaced by A.
Protein change: p.Cys1457Tyr; replaces cysteine 1457 with tyrosine.
Molecular consequence: missense variant.
Genome position (GRCh38, 1-based): chr14:67,782,782, C>T on the plus strand (G>A on the coding strand, the complement: ZFYVE26 is on the minus strand). VCF-style: chr14-67782782-C-T. GRCh37 (hg19) VCF-style: chr14-68249499-C-T.
Other names: short protein forms C1457Y.
Identifiers: ClinVar variation 130782 (VCV000130782.36), dbSNP rs2235967, ClinGen allele CA156061.